The following is an entry in ClinVar:

NM_004380.3(CREBBP):c.4728+5_4728+8del

Gene: CREBBP (CREB binding lysine acetyltransferase; minus strand). Cytogenetic location: 16p13.3.
Variant type: Deletion.
Coding change: c.4728+5_4728+8del on transcript NM_004380.3 (MANE Select); bases 5 to 8 of the intron after coding-DNA position 4728, 4 bases deleted (AGAC; older notation c.4728+5_4728+8delAGAC).
Molecular consequence: intron variant.
Genome position (GRCh38, 1-based): chr16:3,736,028-3,736,031, GTCT deleted on the plus strand (AGAC on the coding strand, the reverse complement: CREBBP is on the minus strand); deleting any 4 consecutive bases within chr16:3,736,028-3,736,033 gives the same sequence; the c. name uses the placement nearest the transcript's 3' end. VCF-style (leftmost placement, unchanged base first): chr16-3736027-GGTCT-G. GRCh37 (hg19) VCF-style: chr16-3786028-GGTCT-G.
Other names: c.4614+5_4614+8del (NM_001079846.1).
Identifiers: ClinVar variation 4713469 (VCV004713469.1).

ClinVar aggregate classification (germline): Uncertain significance (1 of 4 stars; one submission).

Conditions:
Rubinstein-Taybi syndrome (RSTS). Identifiers: Orphanet 783, MedGen C0035934, MONDO:0019188.

Submission:

Labcorp Genetics (formerly Invitae), Labcorp
Classification: Uncertain significance for Rubinstein-Taybi syndrome. Last evaluated: 2025-02-19. Review status: criteria provided, single submitter. Criteria: Invitae Variant Classification Sherloc (09022015). Collection method: clinical testing. Allele origin: germline.
Comment: This sequence change falls in intron 28 of the CREBBP gene. It does not directly change the encoded amino acid sequence of the CREBBP protein. It affects a nucleotide within the consensus splice site. This variant is not present in population databases (gnomAD no frequency). This variant has not been reported in the literature in individuals affected with CREBBP-related conditions. Variants that disrupt the consensus splice site are a relatively common cause of aberrant splicing (PMID: 17576681, 9536098). Algorithms developed to predict the effect of sequence changes on RNA splicing suggest that this variant is not likely to affect RNA splicing. In summary, the available evidence is currently insufficient to determine the role of this variant in disease. Therefore, it has been classified as a Variant of Uncertain Significance.

Literature cited by the submitters: PubMed 17576681; PubMed 9536098.